The following is an entry in ClinVar:

NM_001267550.2(TTN):c.25490G>A (p.Arg8497His)

Gene: TTN (titin; minus strand). Cytogenetic location: 2q31.2.
Variant type: single nucleotide variant.
Coding change: c.25490G>A on transcript NM_001267550.2 (MANE Select); coding-DNA position 25490, G replaced by A.
Protein change: p.Arg8497His; replaces arginine 8497 with histidine.
Molecular consequence: missense variant. On other transcripts: intron variant (3).
Genome position (GRCh38, 1-based): chr2:178,717,244, C>T on the plus strand (G>A on the coding strand, the complement: TTN is on the minus strand). VCF-style: chr2-178717244-C-T. GRCh37 (hg19) VCF-style: chr2-179581971-C-T.
Other names: p.R8180H:CGC>CAC; p.Arg8180His; c.24539G>A, p.Arg8180His (NM_001256850.1); c.21758G>A, p.Arg7253His (NM_133378.4); c.13282+20838G>A (NM_003319.4); c.13858+20838G>A (NM_133437.4); c.13657+20838G>A (NM_133432.3); short protein forms R8497H, R7253H, R8180H.
Identifiers: ClinVar variation 46759 (VCV000046759.49), dbSNP rs149855485, ClinGen allele CA139128.
Genomic context (GRCh38, chr2:178,717,244, plus strand): 5'-TTGAGAACTGTCAGAGTGGCAGTATTTTCTACCAAAGTCATCTTGTAGTTGCCTCCAGGG[C>T]GAATCTCTCGGTTATCTTTGGCCCAAGTGATTTTGATTGGTGCAGTCCCAGTTACATGAC-3'
Protein context (NP_001254479.2, residues 8487-8507): ITWAKDNREI[Arg8497His]PGGNYKMTLV

ClinVar aggregate classification (germline): Conflicting classifications of pathogenicity. Review status: criteria provided, conflicting classifications (1 of 4 stars). 23 submissions from 19 submitters: Uncertain significance (1); Benign (12); Likely benign (5). 5 of the submissions do not count toward it. Last evaluated 2026-02-03.

Conditions:
Dilated cardiomyopathy 1G (CMD1G). Identifiers: Orphanet 154, MedGen C1858763, MONDO:0011400, OMIM 604145.
Autosomal recessive limb-girdle muscular dystrophy type 2J (LGMDR10). Also called: MUSCULAR DYSTROPHY, LIMB-GIRDLE, AUTOSOMAL RECESSIVE 10; Limb-girdle muscular dystrophy, type 2J. Identifiers: Orphanet 140922, MedGen C1837342, MONDO:0012127, OMIM 608807.
Cardiomyopathy (CMYO). Also called: Cardiomyopathies. Identifiers: Orphanet 167848, MedGen C0878544, MONDO:0004994, HP:0001638. Inheritance: Various modes of inheritance.
Myopathy, myofibrillar, 9, with early respiratory failure (MFM9). Also called: Myopathy, distal, with early respiratory failure, autosomal dominant; Hereditary myopathy with early respiratory failure; MYOPATHY, PROXIMAL, WITH EARLY RESPIRATORY MUSCLE INVOLVEMENT; EDSTROM MYOPATHY. Identifiers: Orphanet 178464, Orphanet 34521, MedGen C1863599, MONDO:0011362, OMIM 603689.
Early-onset myopathy with fatal cardiomyopathy (CMYO5). Also called: CONGENITAL MYOPATHY 5 WITH CARDIOMYOPATHY; Salih Myopathy. Identifiers: Orphanet 289377, MedGen C2673677, MONDO:0012714, OMIM 611705. Disease mechanism: loss of function.
Tibial muscular dystrophy (TMD). Also called: Udd Distal Myopathy – Tibial Muscular Dystrophy; Tibial muscular dystrophy, tardive; UDD MYOPATHY. Identifiers: Orphanet 609, MedGen C1838244, MONDO:0010870, OMIM 600334.
Primary dilated cardiomyopathy (DCM). Also called: Dilated Cardiomyopathy. Identifiers: Orphanet 217604, MedGen C0007193, MeSH D002311, MONDO:0005021, HP:0001644. Inheritance: Various modes of inheritance.

Allele frequency attached by ClinVar (database versions not stated): TOPMed 0.00108; gnomAD 0.00180 and 0.00106; ExAC 0.00431; 1000 Genomes Project 30x 0.00593; 1000 Genomes Project 0.00599; ESP Exome Variant Server 0.00149; gnomAD exomes 0.00223 and 0.00376.
gnomAD v4.1: 3,564 of 1,613,648 alleles (0.22%); highest among the groups gnomAD compares: South Asian, 2.1%; 52 homozygotes.

Submissions (23):

Labcorp Genetics (formerly Invitae), Labcorp
Classification: Benign for Dilated cardiomyopathy 1G; Autosomal recessive limb-girdle muscular dystrophy type 2J. Last evaluated: 2026-02-03. Review status: criteria provided, single submitter. Criteria: Invitae Variant Classification Sherloc (09022015). Collection method: clinical testing. Allele origin: germline.

ARUP Laboratories, Molecular Genetics and Genomics, ARUP Laboratories
Classification: Benign. Last evaluated: 2025-06-23. Review status: criteria provided, single submitter. Criteria: ARUP Molecular Germline Variant Investigation Process 2024. Collection method: clinical testing. Allele origin: germline.

Molecular Diagnostic Laboratory for Inherited Cardiovascular Disease, Montreal Heart Institute
Classification: Benign. Last evaluated: 2025-04-09. Review status: criteria provided, single submitter. Criteria: ACMG Guidelines, 2015. Collection method: clinical testing. Allele origin: germline. Affected: no.

Athena Diagnostics
Classification: Benign. Last evaluated: 2025-01-21. Review status: criteria provided, single submitter. Criteria: Athena Diagnostics Criteria. Collection method: clinical testing. Allele origin: unknown.
Comment: The frequency of this variant in the general population is higher than would generally be expected for pathogenic variants in this gene.

Mayo Clinic Laboratories, Mayo Clinic
Classification: Benign. Last evaluated: 2023-06-16. Review status: criteria provided, single submitter. Criteria: ACMG Guidelines, 2015. Collection method: clinical testing. Allele origin: germline. Observed: 10 variant alleles.
Comment: BS1, BS2

Women's Health and Genetics/Laboratory Corporation of America, LabCorp
Classification: Likely benign. Last evaluated: 2020-01-06. Review status: criteria provided, single submitter. Criteria: LabCorp Variant Classification Summary - May 2015. Collection method: clinical testing. Allele origin: germline.

CHEO Genetics Diagnostic Laboratory, Children's Hospital of Eastern Ontario
Classification: Benign for Cardiomyopathy. Last evaluated: 2019-05-30. Review status: criteria provided, single submitter. Criteria: ACMG Guidelines, 2015. Collection method: clinical testing. Allele origin: germline.

Illumina Laboratory Services, Illumina
Classification: Benign for Tibial muscular dystrophy. Last evaluated: 2018-01-13. Review status: criteria provided, single submitter. Criteria: ICSL Variant Classification Criteria 13 December 2019. Collection method: clinical testing. Allele origin: germline.
Comment: This variant was observed in the ICSL laboratory as part of a predisposition screen in an ostensibly healthy population. It had not been previously curated by ICSL or reported in the Human Gene Mutation Database (HGMD: prior to June 1st, 2018), and was therefore a candidate for classification through an automated scoring system. Utilizing variant allele frequency, disease prevalence and penetrance estimates, and inheritance mode, an automated score was calculated to assess if this variant is too frequent to cause the disease. Based on the score and internal cut-off values, a variant classified as benign is not then subjected to further curation. The score for this variant resulted in a classification of benign for this disease.

Illumina Laboratory Services, Illumina
Classification: Likely benign for Early-onset myopathy with fatal cardiomyopathy. Last evaluated: 2018-01-13. Review status: criteria provided, single submitter. Criteria: ICSL Variant Classification Criteria 13 December 2019. Collection method: clinical testing. Allele origin: germline.
Comment: This variant was observed in the ICSL laboratory as part of a predisposition screen in an ostensibly healthy population. It had not been previously curated by ICSL or reported in the Human Gene Mutation Database (HGMD: prior to June 1st, 2018), and was therefore a candidate for classification through an automated scoring system. Utilizing variant allele frequency, disease prevalence and penetrance estimates, and inheritance mode, an automated score was calculated to assess if this variant is too frequent to cause the disease. Based on the score and internal cut-off values, a variant classified as likely benign is not then subjected to further curation. The score for this variant resulted in a classification of likely benign for this disease.

Illumina Laboratory Services, Illumina
Classification: Benign for Myopathy, myofibrillar, 9, with early respiratory failure. Last evaluated: 2018-01-13. Review status: criteria provided, single submitter. Criteria: ICSL Variant Classification Criteria 13 December 2019. Collection method: clinical testing. Allele origin: germline.
Comment: the same text as in the submission from Illumina Laboratory Services, Illumina above.

Illumina Laboratory Services, Illumina
Classification: Likely benign for Autosomal recessive limb-girdle muscular dystrophy type 2J. Last evaluated: 2018-01-13. Review status: criteria provided, single submitter. Criteria: ICSL Variant Classification Criteria 13 December 2019. Collection method: clinical testing. Allele origin: germline.
Comment: the same text as in the submission from Illumina Laboratory Services, Illumina above.

Illumina Laboratory Services, Illumina
Classification: Likely benign for Dilated cardiomyopathy 1G. Last evaluated: 2018-01-13. Review status: criteria provided, single submitter. Criteria: ICSL Variant Classification Criteria 13 December 2019. Collection method: clinical testing. Allele origin: germline.
Comment: the same text as in the submission from Illumina Laboratory Services, Illumina above.

Center for Advanced Laboratory Medicine, UC San Diego Health, University of California San Diego
Classification: Benign for Dilated cardiomyopathy. Last evaluated: 2017-02-28. Review status: criteria provided, single submitter. Criteria: ACMG Guidelines, 2015. Collection method: clinical testing. Allele origin: germline. Affected: yes. Observed: 1 variant allele.

GeneDx
Classification: Benign. Last evaluated: 2016-02-08. Review status: criteria provided, single submitter. Criteria: GeneDx Variant Classification (06012015). Collection method: clinical testing. Allele origin: germline. Affected: yes.
Comment: This variant is considered likely benign or benign based on one or more of the following criteria: it is a conservative change, it occurs at a poorly conserved position in the protein, it is predicted to be benign by multiple in silico algorithms, and/or has population frequency not consistent with disease.

Eurofins Ntd Llc (ga)
Classification: Benign. Last evaluated: 2015-09-01. Review status: criteria provided, single submitter. Criteria: EGL Classification Definitions 2015. Collection method: clinical testing. Allele origin: germline. Observed: 1 variant allele, 1 heterozygote.

Laboratory for Molecular Medicine, Mass General Brigham Personalized Medicine
Classification: Benign. Last evaluated: 2015-02-25. Review status: criteria provided, single submitter. Criteria: LMM Criteria. Collection method: clinical testing. Allele origin: germline. Observed: 13 variant alleles.
Comment: p.Arg7253His in exon 85 of TTN: This variant is not expected to have clinical si gnificance because it has been identified in 2.3% (383/16508) of South Asian chr omosomes by the Exome Aggregation Consortium (ExAC, rg; dbSNP rs149855485).

Genetic Services Laboratory, University of Chicago
Classification: Uncertain significance. Last evaluated: 2014-03-17. Review status: criteria provided, single submitter. Criteria: ACMG Guidelines, 2007. Collection method: clinical testing. Allele origin: germline.

Biesecker Lab/Clinical Genomics Section, National Institutes of Health
Classification: Likely benign. Last evaluated: 2013-06-24. Review status: criteria provided, single submitter. Criteria: Ng et al. (Circ Cardiovasc Genet. 2013). Collection method: research. Allele origin: unknown. Observed: 2 variant alleles. Study: ClinSeq.
Comment: The study set was not selected for affection status in relation to any cancer. Pathogenicity categories were based on literature curation. See Pubmed ID:23861362 for details.

Medical sequencing

Clinical Genetics DNA and cytogenetics Diagnostics Lab, Erasmus MC, Erasmus Medical Center
Classification: Likely benign. Review status: no assertion criteria provided. Collection method: clinical testing. Allele origin: germline. Affected: yes. Study: VKGL Data-share Consensus. Not counted in ClinVar's aggregate classification.

Clinical Genetics, Academic Medical Center
Classification: Benign. Review status: no assertion criteria provided. Collection method: clinical testing. Allele origin: germline. Affected: yes. Study: VKGL Data-share Consensus. Not counted in ClinVar's aggregate classification.

Diagnostic Laboratory, Department of Genetics, University Medical Center Groningen
Classification: Likely benign. Review status: no assertion criteria provided. Collection method: clinical testing. Allele origin: germline. Affected: yes. Study: VKGL Data-share Consensus. Not counted in ClinVar's aggregate classification.

Joint Genome Diagnostic Labs from Nijmegen and Maastricht, Radboudumc and MUMC+
Classification: Benign. Review status: no assertion criteria provided. Collection method: clinical testing. Allele origin: germline. Affected: yes. Study: VKGL Data-share Consensus. Not counted in ClinVar's aggregate classification.

Laboratory of Diagnostic Genome Analysis, Leiden University Medical Center (LUMC)
Classification: Likely benign. Review status: no assertion criteria provided. Collection method: clinical testing. Allele origin: germline. Affected: yes. Study: VKGL Data-share Consensus. Not counted in ClinVar's aggregate classification.

Literature cited by the submitters: PubMed 25163546 (cited by Athena Diagnostics); PubMed 23861362 (cited by Athena Diagnostics).